The following is an entry in ClinVar:

ClinVar aggregate classification (germline): Likely benign (0 of 4 stars; one submission).

Conditions:
SCYL1-related disorder. Also called: SCYL1-related condition.

Allele frequency attached by ClinVar (database versions not stated): TOPMed below 0.00001; ExAC 0.00001; gnomAD 0.00001.
gnomAD v4.1: 13 of 1,612,618 alleles (0.00081%); highest among the groups gnomAD compares: East Asian, 0.0022%; no homozygotes.

Submission:

PreventionGenetics, part of Exact Sciences
Classification: Likely benign for SCYL1-related condition. Last evaluated: 2019-09-19. Review status: no assertion criteria provided. Collection method: clinical testing. Allele origin: germline.
Comment: This variant is classified as likely benign based on ACMG/AMP sequence variant interpretation guidelines (Richards et al. 2015 PMID: 25741868, with internal and published modifications).

NM_020680.4(SCYL1):c.1761G>A (p.Ser587=)

Gene: SCYL1 (SCY1 like pseudokinase 1; plus strand). Cytogenetic location: 11q13.1.
Variant type: single nucleotide variant.
Coding change: c.1761G>A on transcript NM_020680.4 (MANE Select); coding-DNA position 1761, G replaced by A.
Protein change: p.Ser587=; no amino-acid change (serine 587 retained).
Molecular consequence: synonymous variant.
Genome position (GRCh38, 1-based): chr11:65,536,695, G>A. VCF-style: chr11-65536695-G-A. GRCh37 (hg19) VCF-style: chr11-65304166-G-A.
Other names: c.1761G>A, p.Ser587= (NM_001048218.2, NM_001411022.1).
Identifiers: ClinVar variation 3039970 (VCV003039970.2), dbSNP rs752102896, ClinGen allele CA6099921.